The following is an entry in ClinVar:

ClinVar aggregate classification (germline): Uncertain significance (1 of 4 stars; one submission).

Conditions:
Cardiomyopathy (CMYO). Also called: Cardiomyopathies. Identifiers: Orphanet 167848, MedGen C0878544, MONDO:0004994, HP:0001638. Inheritance: Various modes of inheritance.

Submission:

Color Diagnostics, LLC DBA Color Health
Classification: Uncertain significance for Cardiomyopathy. Last evaluated: 2019-02-28. Review status: criteria provided, single submitter. Criteria: ACMG Guidelines, 2015. Collection method: clinical testing. Allele origin: germline.
Comment: Variant of Uncertain Significance due to insufficient evidence: This missense variant replaces glutamic acid with glutamine at codon 1867 of the RYR2 protein. Computational prediction tools and conservation analyses are inconclusive regarding the impact of this variant on the protein function. Computational splicing tools suggest that this variant may not impact RNA splicing. To our knowledge, functional assays have not been performed for this variant nor has this variant been reported in individuals affected with cardiovascular disorders in the literature. This variant is rare in the general population and has been identified in 0/277264 chromosomes by the Genome Aggregation Database (gnomAD). Available evidence is insufficient to determine the role of this variant in disease conclusively.

NM_001035.3(RYR2):c.5599G>C (p.Glu1867Gln)

Gene: RYR2 (ryanodine receptor 2; plus strand). Cytogenetic location: 1q43.
Variant type: single nucleotide variant.
Coding change: c.5599G>C on transcript NM_001035.3 (MANE Select); coding-DNA position 5599, G replaced by C.
Protein change: p.Glu1867Gln; replaces glutamic acid 1867 with glutamine.
Molecular consequence: missense variant.
Genome position (GRCh38, 1-based): chr1:237,614,727, G>C. VCF-style: chr1-237614727-G-C. GRCh37 (hg19) VCF-style: chr1-237778027-G-C.
Other names: short protein forms E1867Q.
Identifiers: ClinVar variation 921928 (VCV000921928.3), dbSNP rs565583530, ClinGen allele CA345405395.